The following is an entry in ClinVar:

NM_014244.5(ADAMTS2):c.72_73insAT (p.Pro25fs)

Gene: ADAMTS2 (ADAM metallopeptidase with thrombospondin type 1 motif 2; minus strand). Cytogenetic location: 5q35.3.
Variant type: Insertion.
Coding change: c.72_73insAT on transcript NM_014244.5 (MANE Select); coding-DNA positions 72 to 73, AT inserted.
Protein change: p.Pro25fs; shifts the reading frame from proline 25.
Molecular consequence: frameshift variant.
Genome position: GRCh38 VCF-style: chr5-179345256-G-GAT. GRCh37 (hg19) VCF-style: chr5-178772257-G-GAT.
Other names: c.72_73insAT, p.Pro25fs (NM_021599.4); short protein forms P25fs.
Identifiers: ClinVar variation 5010464 (VCV005010464.1).
Genomic context (GRCh38, chr5:179,345,256, plus strand): 5'-GGTCGGCGGCGGCGGCGAGCCTGGCGTTCGCGGGCGGCGGCGGCGGCGGCAGGAGCGGCG[G>GAT]CGGCAGCAGCAGCAGCAGCAGCAGCAGCGCGGGGCAGAGCAGGCGGCGAGCGGCTCCCGC-3'

ClinVar aggregate classification (germline): Pathogenic (1 of 4 stars; one submission).

Conditions:
Ehlers-Danlos syndrome, dermatosparaxis type. Also called: EDS VIIC; Dermatosparaxis; Ehlers-Danlos syndrome, type VII, autosomal recessive. Identifiers: Orphanet 1901, MedGen C2700425, MONDO:0009161, OMIM 225410.

Submission:

Myriad Genetics, Inc.
Classification: Pathogenic for Ehlers-Danlos syndrome, dermatosparaxis type. Last evaluated: 2024-05-14. Review status: criteria provided, single submitter. Criteria: Myriad Autosomal Dominant, Autosomal Recessive and X-Linked Classification Criteria (2023). Collection method: clinical testing. Allele origin: unknown.
Comment: NM_014244.4(ADAMTS2):c.72_73insAT(P25Ifs*141) is expected to be pathogenic in the context of Ehlers-Danlos syndrome, ADAMTS2-related. This variant is predicted to lead to an abnormal or absent protein product due to the creation of a premature termination codon in ADAMTS2, a gene where loss-of-function variants are known to be pathogenic. Please note: this variant was assessed in the context of healthy population screening.